The following is an entry in ClinVar:

NM_000135.4(FANCA):c.1226-13G>C

Gene: FANCA (FA complementation group A; minus strand). Cytogenetic location: 16q24.3.
Variant type: single nucleotide variant.
Coding change: c.1226-13G>C on transcript NM_000135.4 (MANE Select); 13 bases into the intron before coding-DNA position 1226, G replaced by C.
Molecular consequence: intron variant.
Genome position (GRCh38, 1-based): chr16:89,791,549, C>G on the plus strand (G>C on the coding strand, the complement: FANCA is on the minus strand). VCF-style: chr16-89791549-C-G. GRCh37 (hg19) VCF-style: chr16-89857957-C-G.
Other names: c.1226-13G>C (NM_001286167.3).
Identifiers: ClinVar variation 1598050 (VCV001598050.11), dbSNP rs377159744, ClinGen allele CA8252441.

ClinVar aggregate classification (germline): Conflicting classifications of pathogenicity. Review status: criteria provided, conflicting classifications (1 of 4 stars). 3 submissions from 3 submitters: Uncertain significance (1); Likely benign (2). Last evaluated 2025-11-27.

Conditions:
Fanconi anemia (FA). Also called: Fanconi's anemia. Identifiers: Orphanet 84, MedGen C0015625, MeSH D005199, MONDO:0019391.

Allele frequency attached by ClinVar (database versions not stated): ExAC 0.00010; gnomAD exomes 0.00014; TOPMed 0.00014; gnomAD 0.00016; 1000 Genomes Project 0.00020; ESP Exome Variant Server 0.00023; 1000 Genomes Project 30x 0.00031.
gnomAD v4.1: 516 of 1,613,936 alleles (0.032%); highest among the groups gnomAD compares: Non-Finnish European, 0.041%; no homozygotes.

Submissions (3):

Labcorp Genetics (formerly Invitae), Labcorp
Classification: Likely benign for Fanconi anemia. Last evaluated: 2025-11-27. Review status: criteria provided, single submitter. Criteria: Invitae Variant Classification Sherloc (09022015). Collection method: clinical testing. Allele origin: germline.

Blueprint Genetics
Classification: Likely benign. Last evaluated: 2023-11-27. Review status: criteria provided, single submitter. Criteria: ACMG Guidelines, 2015. Collection method: clinical testing. Allele origin: germline.

Sema4
Classification: Uncertain significance for Fanconi anemia. Last evaluated: 2021-04-12. Review status: criteria provided, single submitter. Criteria: Sema4 Curation Guidelines. Collection method: curation. Allele origin: germline.
Comment: The FANCA c.1226-13G>C variant has not been reported in the literature to our knowledge. It was observed in 38/128628 chromosomes of the European (non-Finnish) subpopulation, with no homozygotes, in the large and broad cohorts of the Genome Aggregation Database (PMID: 32461654). The variant has not been reported in ClinVar. In silico tools suggest the variant does not affect splicing, though these predictions have not been confirmed by functional studies. The evidence is insufficient to meet ACMG/AMP criteria for classifying the variant as benign or pathogenic. Thus, the clinical significance of this variant is currently uncertain.